The following is an entry in ClinVar:

ClinVar aggregate classification (germline): Pathogenic/Likely pathogenic. Review status: criteria provided, multiple submitters, no conflicts (2 of 4 stars). 3 submissions from 3 submitters: Pathogenic (1); Likely pathogenic (2). Last evaluated 2025-06-03.

Conditions:
Hereditary cancer-predisposing syndrome. Also called: Hereditary neoplastic syndrome; Tumor predisposition; Hereditary Cancer Syndrome; Neoplastic Syndromes, Hereditary. Identifiers: Orphanet 140162, MedGen C0027672, MeSH D009386, MONDO:0015356.
Fanconi anemia (FA). Also called: Fanconi's anemia. Identifiers: Orphanet 84, MedGen C0015625, MeSH D005199, MONDO:0019391.

Submissions (3):

Natera, Inc.
Classification: Likely pathogenic for Fanconi anemia. Last evaluated: 2025-06-03. Review status: criteria provided, single submitter. Criteria: Natera Variant Classification Schema (03/2026). Collection method: clinical testing. Allele origin: germline.
Comment: The c.843+1G>T variant in FANCC is a canonical splice donor site variant predicted to affect pre-mRNA splicing, which may result in an abnormal transcript and altered protein product. This variant is expected to result in nonsense mediated decay, truncation, or a dysfunctional protein product. This variant is rare in the general population with a frequency below the threshold expected for the associated phenotype(s). Given the available evidence, this variant is classified as Likely Pathogenic.

Ambry Genetics
Classification: Pathogenic for Hereditary cancer-predisposing syndrome. Last evaluated: 2021-06-28. Review status: criteria provided, single submitter. Criteria: Ambry Variant Classification Scheme 2023. Collection method: clinical testing. Allele origin: germline.
Comment: The c.843+1G>T intronic variant results from a G to T substitution one nucleotide after coding exon 7 of the FANCC gene. RNA studies have demonstrated that a different alteration impacting the same splice donor site, c.843+5G>A, results in abnormal splicing in the set of samples tested (Ambry internal data). A different alteration at this nucleotide, c.843+1G>A, alteration was identified as a germline finding in 1/66 Chinese triple negative breast cancer patients who underwent tumor and germline next generation sequencing using a 43-gene panel (Yi D et al. Hum. Genomics, 2019 01;13:4). In addition to the clinical data presented in the literature, alterations that disrupt the canonical splice site are expected to cause aberrant splicing, resulting in an abnormal protein or a transcript that is subject to nonsense-mediated mRNA decay. As such, this alteration is classified as a disease-causing mutation.

Labcorp Genetics (formerly Invitae), Labcorp
Classification: Likely pathogenic for Fanconi anemia. Last evaluated: 2020-05-03. Review status: criteria provided, single submitter. Criteria: Invitae Variant Classification Sherloc (09022015). Collection method: clinical testing. Allele origin: germline.
Comment: This sequence change affects a donor splice site in intron 8 of the FANCC gene. It is expected to disrupt RNA splicing and likely results in an absent or disrupted protein product. Algorithms developed to predict the effect of sequence changes on RNA splicing suggest that this variant may disrupt the consensus splice site, but this prediction has not been confirmed by published transcriptional studies. In summary, the currently available evidence indicates that the variant is pathogenic, but additional data are needed to prove that conclusively. Therefore, this variant has been classified as Likely Pathogenic. Donor and acceptor splice site variants typically lead to a loss of protein function (PMID: 16199547), and loss-of-function variants in FANCC are known to be pathogenic (PMID: 17924555). This variant is not present in population databases (ExAC no frequency). Disruption of this splice site has been observed in individual(s) with breast cancer (PMID: 30630526).

Literature cited by the submitters: PubMed 16199547 (cited by Labcorp Genetics (formerly Invitae), Labcorp); PubMed 17924555 (cited by Labcorp Genetics (formerly Invitae), Labcorp); PubMed 30630526 (cited by Labcorp Genetics (formerly Invitae), Labcorp).

NM_000136.3(FANCC):c.843+1G>T

Genes: FANCC (FA complementation group C; minus strand), AOPEP (aminopeptidase O (putative); plus strand). Cytogenetic location: 9q22.32.
Variant type: single nucleotide variant.
Coding change: c.843+1G>T on transcript NM_000136.3 (MANE Select); the canonical splice donor site of the intron after coding-DNA position 843, G replaced by T.
Molecular consequence: splice donor variant.
Genome position (GRCh38, 1-based): chr9:95,135,345, C>A on the plus strand (G>T on the coding strand, the complement: FANCC is on the minus strand). VCF-style: chr9-95135345-C-A. GRCh37 (hg19) VCF-style: chr9-97897627-C-A.
Other names: c.843+1G>T (NM_001243743.2, NM_001243744.2).
Identifiers: ClinVar variation 1067275 (VCV001067275.12), dbSNP rs587779909, ClinGen allele CA374109168.